The following is an entry in ClinVar:

ClinVar aggregate classification (germline): Pathogenic/Likely pathogenic. Review status: criteria provided, multiple submitters, no conflicts (2 of 4 stars). 3 submissions from 3 submitters: Pathogenic (1); Likely pathogenic (2). Last evaluated 2023-12-11.

Conditions:
Microcephaly 5, primary, autosomal recessive (MCPH5). Also called: ASPM Primary Microcephaly. Identifiers: Orphanet 2512, MedGen C1837501, MONDO:0012106, OMIM 608716.

Submissions (3):

Labcorp Genetics (formerly Invitae), Labcorp
Classification: Pathogenic. Last evaluated: 2023-12-11. Review status: criteria provided, single submitter. Criteria: Invitae Variant Classification Sherloc (09022015). Collection method: clinical testing. Allele origin: germline.
Comment: This sequence change creates a premature translational stop signal (p.Lys2214*) in the ASPM gene. It is expected to result in an absent or disrupted protein product. Loss-of-function variants in ASPM are known to be pathogenic (PMID: 19028728, 23611254). This variant is present in population databases (no rsID available, gnomAD 0.0009%). This variant has not been reported in the literature in individuals affected with ASPM-related conditions. ClinVar contains an entry for this variant (Variation ID: 587532). For these reasons, this variant has been classified as Pathogenic.

Genome-Nilou Lab
Classification: Likely pathogenic for Microcephaly 5, primary, autosomal recessive. Last evaluated: 2023-04-11. Review status: criteria provided, single submitter. Criteria: ACMG Guidelines, 2015. Collection method: clinical testing. Allele origin: germline. Affected: no.

Genomic Research Center, Shahid Beheshti University of Medical Sciences
Classification: Likely pathogenic for Primary autosomal recessive microcephaly 5. Last evaluated: 2018-08-07. Review status: criteria provided, single submitter. Criteria: ACMG Guidelines, 2015. Collection method: clinical testing. Allele origin: inherited. Affected: yes. Observed: 1 variant allele.

Literature cited by the submitters: PubMed 19028728 (cited by Labcorp Genetics (formerly Invitae), Labcorp); PubMed 23611254 (cited by Labcorp Genetics (formerly Invitae), Labcorp).

NM_018136.5(ASPM):c.6639_6642del (p.Lys2213_Lys2214insTer)

Gene: ASPM (assembly factor for spindle microtubules; minus strand). Cytogenetic location: 1q31.3.
Variant type: Deletion.
Coding change: c.6639_6642del on transcript NM_018136.5 (MANE Select); coding-DNA positions 6639 to 6642, 4 bases deleted (GAAA; older notation c.6639_6642delGAAA).
Protein change: p.Lys2213_Lys2214insTer.
Molecular consequence: frameshift variant. On other transcripts: intron variant (1).
Genome position (GRCh38, 1-based): chr1:197,102,609-197,102,612, TTTC deleted on the plus strand (GAAA on the coding strand, the reverse complement: ASPM is on the minus strand); deleting any 4 consecutive bases within chr1:197,102,609-197,102,615 gives the same sequence; the c. name uses the placement nearest the transcript's 3' end. VCF-style (leftmost placement, unchanged base first): chr1-197102608-TTTTC-T. GRCh37 (hg19) VCF-style: chr1-197071738-TTTTC-T.
Other names: c.4066-6448_4066-6445del (NM_001206846.2).
Identifiers: ClinVar variation 587532 (VCV000587532.9), dbSNP rs1334301723, ClinGen allele CA528534997.